The following is an entry in ClinVar:

ClinVar aggregate classification (germline): Uncertain significance (1 of 4 stars; one submission).

Conditions:
Pierson syndrome. Also called: MICROCORIA-CONGENITAL NEPHROTIC SYNDROME. Identifiers: Orphanet 2670, MedGen C1836876, MONDO:0012184, OMIM 609049.
LAMB2-related infantile-onset nephrotic syndrome. Also called: Nephrotic Syndrome, type 5; NEPHROTIC SYNDROME, TYPE 5, WITHOUT OCULAR ABNORMALITIES; NEPHROTIC SYNDROME, TYPE 5, WITH OCULAR ABNORMALITIES. Identifiers: Orphanet 306507, MedGen C3280113, MONDO:0013621, OMIM 614199.

Allele frequency attached by ClinVar (database versions not stated): gnomAD 0.00001; gnomAD exomes 0.00001; TOPMed 0.00002.
gnomAD v4.1: 9 of 1,613,208 alleles (0.00056%); highest among the groups gnomAD compares: Admixed American, 0.0033%; no homozygotes.

Submission:

Labcorp Genetics (formerly Invitae), Labcorp
Classification: Uncertain significance for LAMB2-related infantile-onset nephrotic syndrome; Pierson syndrome. Last evaluated: 2022-07-12. Review status: criteria provided, single submitter. Criteria: Invitae Variant Classification Sherloc (09022015). Collection method: clinical testing. Allele origin: germline.
Comment: Algorithms developed to predict the effect of missense changes on protein structure and function (SIFT, PolyPhen-2, Align-GVGD) all suggest that this variant is likely to be tolerated. This sequence change replaces aspartic acid, which is acidic and polar, with asparagine, which is neutral and polar, at codon 515 of the LAMB2 protein (p.Asp515Asn). This variant is present in population databases (no rsID available, gnomAD 0.003%). This variant has not been reported in the literature in individuals affected with LAMB2-related conditions. ClinVar contains an entry for this variant (Variation ID: 1418838). In summary, the available evidence is currently insufficient to determine the role of this variant in disease. Therefore, it has been classified as a Variant of Uncertain Significance.

NM_002292.4(LAMB2):c.1543G>A (p.Asp515Asn)

Gene: LAMB2 (laminin subunit beta 2; minus strand). Cytogenetic location: 3p21.31.
Variant type: single nucleotide variant.
Coding change: c.1543G>A on transcript NM_002292.4 (MANE Select); coding-DNA position 1543, G replaced by A.
Protein change: p.Asp515Asn; replaces aspartic acid 515 with asparagine.
Molecular consequence: missense variant.
Genome position (GRCh38, 1-based): chr3:49,129,300, C>T on the plus strand (G>A on the coding strand, the complement: LAMB2 is on the minus strand). VCF-style: chr3-49129300-C-T. GRCh37 (hg19) VCF-style: chr3-49166733-C-T.
Other names: short protein forms D515N.
Identifiers: ClinVar variation 1418838 (VCV001418838.6), dbSNP rs1255092475, ClinGen allele CA352735915.